The following is an entry in ClinVar:

ClinVar aggregate classification (germline): Uncertain significance (1 of 4 stars; one submission).

Conditions:
Neuroblastoma, susceptibility to, 3. Also called: ALK-Related Neuroblastic Tumor Susceptibility. Identifiers: Orphanet 635, MedGen C2751681, MONDO:0013083, OMIM 613014.

Allele frequency attached by ClinVar (database versions not stated): gnomAD exomes 0.00001.
gnomAD v4.1: 3 of 1,563,812 alleles (0.00019%); highest among the groups gnomAD compares: East Asian, 0.0024%; no homozygotes.

Submission:

Labcorp Genetics (formerly Invitae), Labcorp
Classification: Uncertain significance for Neuroblastoma, susceptibility to, 3. Last evaluated: 2024-01-06. Review status: criteria provided, single submitter. Criteria: Invitae Variant Classification Sherloc (09022015). Collection method: clinical testing. Allele origin: germline.
Comment: This sequence change replaces alanine, which is neutral and non-polar, with threonine, which is neutral and polar, at codon 120 of the ALK protein (p.Ala120Thr). The frequency data for this variant in the population databases is considered unreliable, as metrics indicate poor data quality at this position in the gnomAD database. This variant has not been reported in the literature in individuals affected with ALK-related conditions. Algorithms developed to predict the effect of missense changes on protein structure and function output the following: SIFT: "Not Available"; PolyPhen-2: "Benign"; Align-GVGD: "Not Available". The threonine amino acid residue is found in multiple mammalian species, which suggests that this missense change does not adversely affect protein function. In summary, the available evidence is currently insufficient to determine the role of this variant in disease. Therefore, it has been classified as a Variant of Uncertain Significance.

NM_004304.5(ALK):c.358G>A (p.Ala120Thr)

Gene: ALK (ALK receptor tyrosine kinase; minus strand). Cytogenetic location: 2p23.1.
Variant type: single nucleotide variant.
Coding change: c.358G>A on transcript NM_004304.5 (MANE Select); coding-DNA position 358, G replaced by A.
Protein change: p.Ala120Thr; replaces alanine 120 with threonine.
Molecular consequence: missense variant.
Genome position (GRCh38, 1-based): chr2:29,920,302, C>T on the plus strand (G>A on the coding strand, the complement: ALK is on the minus strand). VCF-style: chr2-29920302-C-T. GRCh37 (hg19) VCF-style: chr2-30143168-C-T.
Other names: short protein forms A120T.
Identifiers: ClinVar variation 2707916 (VCV002707916.3), dbSNP rs1371439281, ClinGen allele CA346590196.